The following is an entry in ClinVar:

NM_000094.4(COL7A1):c.806dup (p.Thr270fs)

Gene: COL7A1 (collagen type VII alpha 1 chain; minus strand). Cytogenetic location: 3p21.31.
Variant type: Duplication.
Coding change: c.806dup on transcript NM_000094.4 (MANE Select); coding-DNA position 806, one base duplicated (T; older notation c.806dupT).
Protein change: p.Thr270fs; shifts the reading frame from threonine 270.
Molecular consequence: frameshift variant.
Genome position (GRCh38, 1-based): chr3:48,592,815, A duplicated on the plus strand (T on the coding strand, the reverse complement: COL7A1 is on the minus strand). VCF-style (leftmost placement, unchanged base first): chr3-48592814-C-CA. GRCh37 (hg19) VCF-style: chr3-48630247-C-CA.
Other names: short protein forms T270fs.
Identifiers: ClinVar variation 2203386 (VCV002203386.5), dbSNP rs2531335688, ClinGen allele CA2580069921.
Genomic context (GRCh38, chr3:48,592,814, plus strand): 5'-CTATCACTCCTGACATCCTACCTCCTGCCGCTCACTCGGCAGTGGCTGTCCCAGCCCCGT[C>CA]AGAGGAGTGTACTGGACCTTGTAGCCAGTCACAGGGCCACTGGCCGCTGTCCACTGTACT-3'

ClinVar aggregate classification (germline): Pathogenic. Review status: criteria provided, multiple submitters, no conflicts (2 of 4 stars). 2 submissions from 2 submitters: Pathogenic (2). Last evaluated 2026-05-26.

Conditions:
Recessive dystrophic epidermolysis bullosa (RDEB). Also called: DYSTROPHIC EPIDERMOLYSIS BULLOSA, AUTOSOMAL RECESSIVE; EPIDERMOLYSIS BULLOSA DYSTROPHICA, HALLOPEAU-SIEMENS TYPE; Hallopeau-Siemens Disease; severe generalized recessive dystrophic epidermolysis bullosa; EPIDERMOLYSIS BULLOSA DYSTROPHICA, GENERALIZED SEVERE, AUTOSOMAL RECESSIVE; Epidermolysis Bullosa Distrophica Autosomal Recessive (RDEB). Identifiers: Orphanet 79408, Orphanet 79409, MedGen C0079474, MONDO:0009179, OMIM 226600.

Submissions (2):

Myriad Genetics, Inc.
Classification: Pathogenic for Recessive dystrophic epidermolysis bullosa. Last evaluated: 2026-05-26. Review status: criteria provided, single submitter. Criteria: Myriad Autosomal Dominant, Autosomal Recessive and X-Linked Classification Criteria (2023). Collection method: clinical testing. Allele origin: unknown.
Comment: NM_000094.3(COL7A1):c.806dupT(T270Dfs*10) is expected to be pathogenic in the context of dystrophic epidermolysis bullosa. This variant is predicted to lead to an abnormal or absent protein product due to the creation of a premature termination codon in COL7A1, a gene where loss-of-function variants are known to be pathogenic. Please note: this variant was assessed in the context of healthy population screening.

Labcorp Genetics (formerly Invitae), Labcorp
Classification: Pathogenic. Last evaluated: 2022-07-06. Review status: criteria provided, single submitter. Criteria: Invitae Variant Classification Sherloc (09022015). Collection method: clinical testing. Allele origin: germline.
Comment: For these reasons, this variant has been classified as Pathogenic. Algorithms developed to predict the effect of sequence changes on RNA splicing suggest that this variant may create or strengthen a splice site. This variant is also known as c.806insT. This premature translational stop signal has been observed in individual(s) with autosomal recessive dystrophic epidermolysis bullosa (PMID: 12485454). This variant is not present in population databases (gnomAD no frequency). This sequence change creates a premature translational stop signal (p.Thr270Aspfs*10) in the COL7A1 gene. It is expected to result in an absent or disrupted protein product. Loss-of-function variants in COL7A1 are known to be pathogenic (PMID: 16971478).

Literature cited by the submitters: PubMed 12485454 (cited by Labcorp Genetics (formerly Invitae), Labcorp); PubMed 16971478 (cited by Labcorp Genetics (formerly Invitae), Labcorp).